The following is an entry in ClinVar:

NM_005422.4(TECTA):c.5383+10A>G

Genes: TBCEL-TECTA (TBCEL-TECTA readthrough; plus strand), TECTA (tectorin alpha; plus strand). Cytogenetic location: 11q23.3.
Variant type: single nucleotide variant.
Coding change: c.5383+10A>G on transcript NM_005422.4 (MANE Select); 10 bases into the intron after coding-DNA position 5383, A replaced by G.
Molecular consequence: intron variant.
Genome position (GRCh38, 1-based): chr11:121,165,393, A>G. VCF-style: chr11-121165393-A-G. GRCh37 (hg19) VCF-style: chr11-121036102-A-G.
Other names: c.5383+10A>G (NM_005422.2); c.6325+10A>G (NM_001378761.1).
Identifiers: ClinVar variation 4914629 (VCV004914629.2).

ClinVar aggregate classification (germline): Likely benign. Review status: criteria provided, multiple submitters, no conflicts (2 of 4 stars). 2 submissions from 2 submitters: Likely benign (2). Last evaluated 2026-03-01.

Conditions:
TECTA-related disorder. Also called: TECTA-related condition.

gnomAD v4.1: 13 of 1,567,630 alleles (0.00083%); highest among the groups gnomAD compares: Non-Finnish European, 0.0011%; no homozygotes.

Submissions (2):

PreventionGenetics, part of Exact Sciences
Classification: Likely benign for TECTA-related condition. Last evaluated: 2026-03-01. Review status: criteria provided, single submitter. Criteria: ACMG Guidelines, 2015. Collection method: clinical testing. Allele origin: germline.
Comment: This variant is classified as likely benign based on ACMG/AMP sequence variant interpretation guidelines (Richards et al. 2015 PMID: 25741868, with internal and published modifications).

Blueprint Genetics
Classification: Likely benign. Last evaluated: 2024-11-07. Review status: criteria provided, single submitter. Criteria: ACMG Guidelines, 2015. Collection method: clinical testing. Allele origin: germline.